The following is an entry in ClinVar:

ClinVar aggregate classification (germline): Likely pathogenic (1 of 4 stars; one submission).

Submission:

Centre of Medical Genetics, University Hospital Muenster
Classification: Likely pathogenic. Last evaluated: 2021-12-09. Review status: criteria provided, single submitter. Criteria: ACMG Guidelines, 2015. Collection method: clinical testing. Allele origin: unknown. Affected: yes. Observed: 1 variant allele, 1 homozygote.
Comment: ACMG categories: PM1,PM2,PP3,PP4

NM_000199.5(SGSH):c.215C>G (p.Pro72Arg)

Gene: SGSH (N-sulfoglucosamine sulfohydrolase; minus strand). Cytogenetic location: 17q25.3.
Variant type: single nucleotide variant.
Coding change: c.215C>G on transcript NM_000199.5 (MANE Select); coding-DNA position 215, C replaced by G.
Protein change: p.Pro72Arg; replaces proline 72 with arginine.
Molecular consequence: missense variant. On other transcripts: non-coding transcript variant (1).
Genome position (GRCh38, 1-based): chr17:80,217,066, G>C on the plus strand (C>G on the coding strand, the complement: SGSH is on the minus strand). VCF-style: chr17-80217066-G-C. GRCh37 (hg19) VCF-style: chr17-78190865-G-C.
Other names: c.215C>G, p.Pro72Arg (NM_001352921.3, NM_001352922.2); short protein forms P72R.
Identifiers: ClinVar variation 1708305 (VCV001708305.2), dbSNP rs2510909324, ClinGen allele CA401364165.